The following is an entry in ClinVar:

ClinVar aggregate classification (germline): Uncertain significance. Review status: criteria provided, multiple submitters, no conflicts (2 of 4 stars). 2 submissions from 2 submitters: Uncertain significance (2). Last evaluated 2025-11-02.

Conditions:
Hereditary cancer-predisposing syndrome. Also called: Neoplastic Syndromes, Hereditary; Tumor predisposition; Hereditary neoplastic syndrome; Hereditary Cancer Syndrome. Identifiers: Orphanet 140162, MedGen C0027672, MeSH D009386, MONDO:0015356.

Submissions (2):

Ambry Genetics
Classification: Uncertain significance for Hereditary cancer-predisposing syndrome. Last evaluated: 2025-11-02. Review status: criteria provided, single submitter. Criteria: Ambry Variant Classification Scheme 2023. Collection method: clinical testing. Allele origin: germline.
Comment: The p.P748A variant (also known as c.2242C>G), located in coding exon 14 of the RAD50 gene, results from a C to G substitution at nucleotide position 2242. The proline at codon 748 is replaced by alanine, an amino acid with highly similar properties. This amino acid position is conserved. In addition, the in silico prediction for this alteration is inconclusive. Based on the available evidence, the clinical significance of this variant remains unclear.

Labcorp Genetics (formerly Invitae), Labcorp
Classification: Uncertain significance for Hereditary cancer-predisposing syndrome. Last evaluated: 2021-05-28. Review status: criteria provided, single submitter. Criteria: Invitae Variant Classification Sherloc (09022015). Collection method: clinical testing. Allele origin: germline.
Comment: In summary, the available evidence is currently insufficient to determine the role of this variant in disease. Therefore, it has been classified as a Variant of Uncertain Significance. Algorithms developed to predict the effect of missense changes on protein structure and function are either unavailable or do not agree on the potential impact of this missense change (SIFT: "Tolerated"; PolyPhen-2: "Probably Damaging"; Align-GVGD: "Class C0"). This variant has not been reported in the literature in individuals with RAD50-related conditions. This variant is not present in population databases (ExAC no frequency). This sequence change replaces proline with alanine at codon 748 of the RAD50 protein (p.Pro748Ala). The proline residue is moderately conserved and there is a small physicochemical difference between proline and alanine.

NM_005732.4(RAD50):c.2242C>G (p.Pro748Ala)

Gene: RAD50 (RAD50 double strand break repair protein; plus strand). Cytogenetic location: 5q31.1.
Variant type: single nucleotide variant.
Coding change: c.2242C>G on transcript NM_005732.4 (MANE Select); coding-DNA position 2242, C replaced by G.
Protein change: p.Pro748Ala; replaces proline 748 with alanine.
Molecular consequence: missense variant.
Genome position (GRCh38, 1-based): chr5:132,603,334, C>G. VCF-style: chr5-132603334-C-G. GRCh37 (hg19) VCF-style: chr5-131939026-C-G.
Other names: c.2242C>G (NM_005732.3); short protein forms P748A.
Identifiers: ClinVar variation 1371086 (VCV001371086.9), dbSNP rs1750920510, ClinGen allele CA360953955.
Genomic context (GRCh38, chr5:132,603,334, plus strand): 5'-TATTTTTAATTGTGTTTTCTATTTAGGCAAAGCATAATTGATTTGAAGGAGAAGGAAATA[C>G]CAGAATTAAGAAACAAACTGCAGAATGTCAATAGAGACATACAGCGCCTAAAGAACGACA-3'
Protein context (NP_005723.2, residues 738-758): SIIDLKEKEI[Pro748Ala]ELRNKLQNVN